The following is an entry in ClinVar:

ClinVar aggregate classification (germline): Likely benign. Review status: criteria provided, single submitter (1 of 4 stars). 2 submissions from 2 submitters: Likely benign (1). 1 of the submissions does not count toward it. Last evaluated 2018-11-06.

Conditions:
Malignant tumor of breast. Also called: Malignant breast neoplasm; Cancer breast. Identifiers: MedGen C0006142, MONDO:0007254. Disease mechanism: loss of function.

Allele frequency attached by ClinVar (database versions not stated): gnomAD exomes below 0.00001; ExAC 0.00001.
gnomAD v4.1: 2 of 1,612,528 alleles (0.00012%); highest among the groups gnomAD compares: Non-Finnish European, 0.00017%; no homozygotes.

Submissions (2):

GeneDx
Classification: Likely benign. Last evaluated: 2018-11-06. Review status: criteria provided, single submitter. Criteria: GeneDx Variant Classification Process June 2021. Collection method: clinical testing. Allele origin: germline. Affected: yes.

Department of Pathology and Laboratory Medicine, Sinai Health System
Classification: Uncertain significance for Malignant tumor of breast. Review status: no assertion criteria provided. Collection method: clinical testing. Allele origin: unknown. Affected: yes. Observed: 1 variant allele. Study: The Canadian Open Genetics Repository (COGR). Not counted in ClinVar's aggregate classification.
Comment: The FANCC c.997-9C>G variant was not identified in the literature nor was it identified in the ClinVar, Cosmic, or LOVD 3.0 databases. The variant was identified in dbSNP database (ID: rs774886992). The variant was also identified in control databases in 1 of 244528 chromosomes at a frequency of 0.000004 (Genome Aggregation Database Feb 27, 2017). The variant was observed in the European population in 1 of 111034 chromosomes (freq: 0.000009), but not in the African, Ashkenazi Jewish, East Asian, Finnish, Latino, Other, or South Asian populations. The c.997-9C>G variant is located in the 3' splice region but does not affect the invariant -1 and -2 positions. However, positions -3 and -5 to -12 are part of the splicing consensus sequence and variants involving these positions sometimes affect splicing. However, in silico or computational prediction software programs (SpliceSiteFinder, MaxEntScan, NNSPLICE, GeneSplicer) do not predict a difference in splicing. In summary, based on the above information, the clinical significance of this variant cannot be determined with certainty at this time. This variant is classified as a variant of uncertain significance.

NM_000136.3(FANCC):c.997-9C>G

Genes: AOPEP (aminopeptidase O (putative); plus strand), FANCC (FA complementation group C; minus strand). Cytogenetic location: 9q22.32.
Variant type: single nucleotide variant.
Coding change: c.997-9C>G on transcript NM_000136.3 (MANE Select); 9 bases into the intron before coding-DNA position 997, C replaced by G.
Molecular consequence: intron variant.
Genome position (GRCh38, 1-based): chr9:95,117,399, G>C on the plus strand (C>G on the coding strand, the complement: FANCC is on the minus strand). VCF-style: chr9-95117399-G-C. GRCh37 (hg19) VCF-style: chr9-97879681-G-C.
Other names: c.997-9C>G (NM_001243743.2, NM_001243744.2).
Identifiers: ClinVar variation 1050008 (VCV001050008.5), dbSNP rs774886992, ClinGen allele CA5137493.
Genomic context (GRCh38, chr9:95,117,399, plus strand): 5'-TGGCAAGAGATGGAGAAGTGTAAGGAAAGTAGGTCTTGAGTGCAAACCGCAGCTGCCACA[G>C]GATGGAAAATCCAAAGAGCATGAACATTAAGATTGAAACGGGGTCAGGAAAATACAAAAC-3'